The following is an entry in ClinVar:

ClinVar aggregate classification (germline): Benign/Likely benign. Review status: criteria provided, multiple submitters, no conflicts (2 of 4 stars). 4 submissions from 4 submitters: Benign (2); Likely benign (1). 1 of the submissions does not count toward it. Last evaluated 2025-12-29.

Conditions:
ANLN-related disorder. Also called: ANLN-related condition.

Allele frequency attached by ClinVar (database versions not stated): gnomAD exomes 0.00009 and 0.00025; ExAC 0.00027; 1000 Genomes Project 0.00080; ESP Exome Variant Server 0.00085; gnomAD 0.00107 and 0.00114; 1000 Genomes Project 30x 0.00109; TOPMed 0.00125.
gnomAD v4.1: 310 of 1,614,144 alleles (0.019%); highest among the groups gnomAD compares: African/African-American, 0.36%; 1 homozygote.

Submissions (4):

Labcorp Genetics (formerly Invitae), Labcorp
Classification: Benign. Last evaluated: 2025-12-29. Review status: criteria provided, single submitter. Criteria: Invitae Variant Classification Sherloc (09022015). Collection method: clinical testing. Allele origin: germline.

Blueprint Genetics
Classification: Likely benign. Last evaluated: 2024-06-17. Review status: criteria provided, single submitter. Criteria: ACMG Guidelines, 2015. Collection method: clinical testing. Allele origin: germline.

CeGaT Center for Human Genetics Tuebingen
Classification: Benign. Last evaluated: 2022-07-01. Review status: criteria provided, single submitter. Criteria: CeGaT Center For Human Genetics Tuebingen Variant Classification Criteria Version 2. Collection method: clinical testing. Allele origin: germline. Affected: yes. Observed: 1 variant allele.
Comment: ANLN: BS1, BS2

PreventionGenetics, part of Exact Sciences
Classification: Likely benign for ANLN-related condition. Last evaluated: 2024-04-22. Review status: no assertion criteria provided. Collection method: clinical testing. Allele origin: germline. Not counted in ClinVar's aggregate classification.
Comment: This variant is classified as likely benign based on ACMG/AMP sequence variant interpretation guidelines (Richards et al. 2015 PMID: 25741868, with internal and published modifications).

NM_018685.5(ANLN):c.598G>A (p.Gly200Ser)

Gene: ANLN (anillin, actin binding protein; plus strand). Cytogenetic location: 7p14.2.
Variant type: single nucleotide variant.
Coding change: c.598G>A on transcript NM_018685.5 (MANE Select); coding-DNA position 598, G replaced by A.
Protein change: p.Gly200Ser; replaces glycine 200 with serine.
Molecular consequence: missense variant.
Genome position (GRCh38, 1-based): chr7:36,406,291, G>A. VCF-style: chr7-36406291-G-A. GRCh37 (hg19) VCF-style: chr7-36445900-G-A.
Other names: c.598G>A (NM_018685.4); c.598G>A, p.Gly200Ser (NM_001284301.3, NM_001284302.3); short protein forms G200S.
Identifiers: ClinVar variation 1572693 (VCV001572693.33), dbSNP rs140160802, ClinGen allele CA4219383.